The following is an entry in ClinVar:

NM_004380.3(CREBBP):c.6479C>T (p.Ala2160Val)

Gene: CREBBP (CREB binding lysine acetyltransferase; minus strand). Cytogenetic location: 16p13.3.
Variant type: single nucleotide variant.
Coding change: c.6479C>T on transcript NM_004380.3 (MANE Select); coding-DNA position 6479, C replaced by T.
Protein change: p.Ala2160Val; replaces alanine 2160 with valine.
Molecular consequence: missense variant.
Genome position (GRCh38, 1-based): chr16:3,728,568, G>A on the plus strand (C>T on the coding strand, the complement: CREBBP is on the minus strand). VCF-style: chr16-3728568-G-A. GRCh37 (hg19) VCF-style: chr16-3778569-G-A.
Other names: c.6365C>T, p.Ala2122Val (NM_001079846.1); short protein forms A2122V, A2160V.
Identifiers: ClinVar variation 3030071 (VCV003030071.5), dbSNP rs779980394, ClinGen allele CA7869098.

ClinVar aggregate classification (germline): Conflicting classifications of pathogenicity. Review status: criteria provided, conflicting classifications (1 of 4 stars). 3 submissions from 3 submitters: Uncertain significance (1); Benign (1). 1 of the submissions does not count toward it. Last evaluated 2025-03-19.

Conditions:
CREBBP-related disorder. Also called: CREBBP-related condition; CREBBP-related disorders.
Rubinstein-Taybi syndrome (RSTS). Identifiers: Orphanet 783, MedGen C0035934, MONDO:0019188.
Rubinstein-Taybi syndrome due to CREBBP mutations (RSTS1). Also called: Rubinstein-Taybi syndrome 1; RUBINSTEIN-TAYBI SYNDROME 1, INCOMPLETE; BROAD THUMB-HALLUX SYNDROME; RUBINSTEIN SYNDROME; BROAD THUMBS AND GREAT TOES, CHARACTERISTIC FACIES, AND IMPAIRED INTELLECTUAL DEVELOPMENT; CREBBP-Related Rubinstein-Taybi Syndrome. Identifiers: Orphanet 353277, Orphanet 783, MedGen C4551859, MONDO:0008393, OMIM 180849.
Menke-Hennekam syndrome 1 (MKHK1). Identifiers: MedGen C5193034, MONDO:0020763, OMIM 618332.

Allele frequency attached by ClinVar (database versions not stated): gnomAD exomes 0.00001; TOPMed 0.00002; gnomAD 0.00003; ExAC 0.00006.
gnomAD v4.1: 16 of 1,613,962 alleles (0.00099%); highest among the groups gnomAD compares: East Asian, 0.022%; no homozygotes.

Submissions (3):

Labcorp Genetics (formerly Invitae), Labcorp
Classification: Benign for Rubinstein-Taybi syndrome. Last evaluated: 2025-03-19. Review status: criteria provided, single submitter. Criteria: Invitae Variant Classification Sherloc (09022015). Collection method: clinical testing. Allele origin: germline.

Fulgent Genetics
Classification: Uncertain significance for Rubinstein-Taybi syndrome due to CREBBP mutations; Menke-Hennekam syndrome 1. Last evaluated: 2024-05-03. Review status: criteria provided, single submitter. Criteria: ACMG Guidelines, 2015. Collection method: clinical testing. Allele origin: germline.

PreventionGenetics, part of Exact Sciences
Classification: Likely benign for CREBBP-related condition. Last evaluated: 2022-08-02. Review status: no assertion criteria provided. Collection method: clinical testing. Allele origin: germline. Not counted in ClinVar's aggregate classification.
Comment: This variant is classified as likely benign based on ACMG/AMP sequence variant interpretation guidelines (Richards et al. 2015 PMID: 25741868, with internal and published modifications).